The following is an entry in ClinVar:

NM_020937.4(FANCM):c.5997G>C (p.Arg1999Ser)

Gene: FANCM (FA complementation group M; plus strand). Cytogenetic location: 14q21.2.
Variant type: single nucleotide variant.
Coding change: c.5997G>C on transcript NM_020937.4 (MANE Select); coding-DNA position 5997, G replaced by C.
Protein change: p.Arg1999Ser; replaces arginine 1999 with serine.
Molecular consequence: missense variant.
Genome position (GRCh38, 1-based): chr14:45,198,924, G>C. VCF-style: chr14-45198924-G-C. GRCh37 (hg19) VCF-style: chr14-45668127-G-C.
Other names: c.5919G>C, p.Arg1973Ser (NM_001308133.2); short protein forms R1973S, R1999S.
Identifiers: ClinVar variation 1016746 (VCV001016746.8), dbSNP rs1890218564, ClinGen allele CA389587753.

ClinVar aggregate classification (germline): Uncertain significance (1 of 4 stars; one submission).

Conditions:
Fanconi anemia (FA). Also called: Fanconi's anemia. Identifiers: Orphanet 84, MedGen C0015625, MeSH D005199, MONDO:0019391.

Submission:

Labcorp Genetics (formerly Invitae), Labcorp
Classification: Uncertain significance for Fanconi anemia. Last evaluated: 2020-03-04. Review status: criteria provided, single submitter. Criteria: Invitae Variant Classification Sherloc (09022015). Collection method: clinical testing. Allele origin: germline.
Comment: Algorithms developed to predict the effect of missense changes on protein structure and function (SIFT, PolyPhen-2, Align-GVGD) all suggest that this variant is likely to be tolerated, but these predictions have not been confirmed by published functional studies and their clinical significance is uncertain. In summary, the available evidence is currently insufficient to determine the role of this variant in disease. Therefore, it has been classified as a Variant of Uncertain Significance. This variant has not been reported in the literature in individuals with FANCM-related conditions. This variant is not present in population databases (ExAC no frequency). This sequence change replaces arginine with serine at codon 1999 of the FANCM protein (p.Arg1999Ser). The arginine residue is weakly conserved and there is a moderate physicochemical difference between arginine and serine.